The following is an entry in ClinVar:

ClinVar aggregate classification (germline): Uncertain significance (1 of 4 stars; one submission).

Conditions:
Hereditary sensory and autonomic neuropathy type 6. Also called: HSAN VI; Neuropathy, hereditary sensory and autonomic, type VI. Identifiers: Orphanet 314381, MedGen C3539003, MONDO:0013839, OMIM 614653.
Epidermolysis bullosa simplex 3, localized or generalized intermediate, with BP230 deficiency (EBS3). Also called: Epidermolysis bullosa simplex, autosomal recessive 2; Epidermolysis bullosa simplex due to BP230 deficiency. Identifiers: Orphanet 412181, MedGen C3809470, MONDO:0014180, OMIM 615425.

Allele frequency attached by ClinVar (database versions not stated): gnomAD exomes below 0.00001.
gnomAD v4.1: 1 of 1,608,416 alleles (0.000062%); highest among the groups gnomAD compares: Non-Finnish European, 0.000085%; no homozygotes.

Submission:

Labcorp Genetics (formerly Invitae), Labcorp
Classification: Uncertain significance for Epidermolysis bullosa simplex 3, localized or generalized intermediate, with BP230 deficiency; Hereditary sensory and autonomic neuropathy type 6. Last evaluated: 2021-10-08. Review status: criteria provided, single submitter. Criteria: Invitae Variant Classification Sherloc (09022015). Collection method: clinical testing. Allele origin: germline.
Comment: This sequence change replaces phenylalanine with serine at codon 2074 of the DST protein (p.Phe2074Ser). The phenylalanine residue is weakly conserved and there is a large physicochemical difference between phenylalanine and serine. This variant is not present in population databases (ExAC no frequency). This variant has not been reported in the literature in individuals affected with DST-related conditions. Algorithms developed to predict the effect of missense changes on protein structure and function (SIFT, PolyPhen-2, Align-GVGD) all suggest that this variant is likely to be tolerated. In summary, the available evidence is currently insufficient to determine the role of this variant in disease. Therefore, it has been classified as a Variant of Uncertain Significance.

NM_001723.7(DST):c.6221T>C (p.Phe2074Ser)

Gene: DST (dystonin; minus strand). Cytogenetic location: 6p12.1.
Variant type: single nucleotide variant.
Coding change: c.6221T>C on transcript NM_001723.7 (MANE Plus Clinical); coding-DNA position 6221, T replaced by C.
Protein change: p.Phe2074Ser; replaces phenylalanine 2074 with serine.
Molecular consequence: missense variant. On other transcripts: intron variant (10).
Genome position (GRCh38, 1-based): chr6:56,617,246, A>G on the plus strand (T>C on the coding strand, the complement: DST is on the minus strand). VCF-style: chr6-56617246-A-G. GRCh37 (hg19) VCF-style: chr6-56482044-A-G.
Other names: c.4831-2762T>C (NM_001144769.5); c.4930-2762T>C (NM_001374722.1, NM_001374736.1); c.4957-2762T>C (NM_001374734.1); c.4417-2762T>C (NM_001144770.2); c.4297-2762T>C (NM_001374730.1, NM_001386100.1, NM_183380.4 and 1 more transcripts); c.3319-2762T>C (NM_015548.5); short protein forms F2074S.
Identifiers: ClinVar variation 1450746 (VCV001450746.6), dbSNP rs1272069390, ClinGen allele CA364565604.
Genomic context (GRCh38, chr6:56,617,246, plus strand): 5'-TGCCTAAGCCCTTGGAATTTAAATTCATCATCCCTGACTGAACATGCATGATCACCATCA[A>G]AGTTCTGGAAGGTCTCTGGTTCTAAGCCCTTCTTAAGGAAATCCCCTTTCTTGAGTCCAC-3'
Protein context (NP_001714.1, residues 2064-2084): KGLEPETFQN[Phe2074Ser]DGDHACSVRD